The following is an entry in ClinVar:

NM_001199138.2(NLRC4):c.3053C>G (p.Ala1018Gly)

Gene: NLRC4 (NLR family CARD domain containing 4; minus strand). Cytogenetic location: 2p22.3.
Variant type: single nucleotide variant.
Coding change: c.3053C>G on transcript NM_001199138.2 (MANE Select); coding-DNA position 3053, C replaced by G.
Protein change: p.Ala1018Gly; replaces alanine 1018 with glycine.
Molecular consequence: missense variant.
Genome position (GRCh38, 1-based): chr2:32,224,495, G>C on the plus strand (C>G on the coding strand, the complement: NLRC4 is on the minus strand). VCF-style: chr2-32224495-G-C. GRCh37 (hg19) VCF-style: chr2-32449564-G-C.
Other names: c.3053C>G, p.Ala1018Gly (NM_001199139.2, NM_021209.5); c.1058C>G, p.Ala353Gly (NM_001302504.2); short protein forms A1018G, A353G.
Identifiers: ClinVar variation 661891 (VCV000661891.8), dbSNP rs1573460670, ClinGen allele CA346519030.
Genomic context (GRCh38, chr2:32,224,495, plus strand): 5'-AGGTCCCAGAGCACTTACTGGCTTCGAGTACACTTTATTTAAGCAGTTACTAGTTTAAAA[G>C]CACCTGTAATAACACTGAGATCATCATCATCAAATTGCCACCCAACAAGCCTAGCTTCTT-3'
Protein context (NP_001186067.1, residues 1008-1024): DDDDLSVITG[Ala1018Gly]FKLVTA

ClinVar aggregate classification (germline): Uncertain significance (1 of 4 stars; one submission).

Conditions:
Periodic fever-infantile enterocolitis-autoinflammatory syndrome. Also called: Autoinflammation with infantile enterocolitis. Identifiers: Orphanet 436166, MedGen C4015067, MONDO:0014472, OMIM 616050.
Familial cold autoinflammatory syndrome 4 (FCAS4). Identifiers: Orphanet 47045, Orphanet 576349, MedGen C4015276, MONDO:0014498, OMIM 616115.

Allele frequency attached by ClinVar (database versions not stated): gnomAD exomes below 0.00001.
gnomAD v4.1: 1 of 1,605,100 alleles (0.000062%); highest among the groups gnomAD compares: Non-Finnish European, 0.000085%; no homozygotes.

Submission:

Labcorp Genetics (formerly Invitae), Labcorp
Classification: Uncertain significance for Periodic fever-infantile enterocolitis-autoinflammatory syndrome; Familial cold autoinflammatory syndrome 4. Last evaluated: 2025-09-15. Review status: criteria provided, single submitter. Criteria: Invitae Variant Classification Sherloc (09022015). Collection method: clinical testing. Allele origin: germline.
Comment: This sequence change replaces alanine, which is neutral and non-polar, with glycine, which is neutral and non-polar, at codon 1018 of the NLRC4 protein (p.Ala1018Gly). This variant is not present in population databases (gnomAD no frequency). This variant has not been reported in the literature in individuals affected with NLRC4-related conditions. ClinVar contains an entry for this variant (Variation ID: 661891). Invitae Evidence Modeling of protein sequence and biophysical properties (such as structural, functional, and spatial information, amino acid conservation, physicochemical variation, residue mobility, and thermodynamic stability) indicates that this missense variant is not expected to disrupt NLRC4 protein function with a negative predictive value of 80%. In summary, the available evidence is currently insufficient to determine the role of this variant in disease. Therefore, it has been classified as a Variant of Uncertain Significance.